The following is an entry in ClinVar:

NM_001042492.3(NF1):c.3295A>C (p.Lys1099Gln)

Gene: NF1 (neurofibromin 1; plus strand). Cytogenetic location: 17q11.2.
Variant type: single nucleotide variant.
Coding change: c.3295A>C on transcript NM_001042492.3 (MANE Select); coding-DNA position 3295, A replaced by C.
Protein change: p.Lys1099Gln; replaces lysine 1099 with glutamine.
Molecular consequence: missense variant.
Genome position (GRCh38, 1-based): chr17:31,232,170, A>C. VCF-style: chr17-31232170-A-C. GRCh37 (hg19) VCF-style: chr17-29559188-A-C.
Other names: c.3295A>C, p.Lys1099Gln (NM_000267.4); short protein forms K1099Q.
Identifiers: ClinVar variation 1729875 (VCV001729875.2), dbSNP rs2151433872, ClinGen allele CA398988898.

ClinVar aggregate classification (germline): Uncertain significance (1 of 4 stars; one submission).

Conditions:
Hereditary cancer-predisposing syndrome. Also called: Neoplastic Syndromes, Hereditary; Tumor predisposition; Hereditary Cancer Syndrome; Hereditary neoplastic syndrome. Identifiers: Orphanet 140162, MedGen C0027672, MeSH D009386, MONDO:0015356.
Cardiovascular phenotype. Identifiers: MedGen CN230736.

Submission:

Ambry Genetics
Classification: Uncertain significance for Cardiovascular phenotype; Hereditary cancer-predisposing syndrome. Last evaluated: 2021-04-26. Review status: criteria provided, single submitter. Criteria: Ambry Variant Classification Scheme 2023. Collection method: clinical testing. Allele origin: germline.
Comment: The p.K1099Q variant (also known as c.3295A>C), located in coding exon 25 of the NF1 gene, results from an A to C substitution at nucleotide position 3295. The lysine at codon 1099 is replaced by glutamine, an amino acid with similar properties. This amino acid position is highly conserved in available vertebrate species. In addition, the in silico prediction for this alteration is inconclusive. Since supporting evidence is limited at this time, the clinical significance of this alteration remains unclear.